The following is an entry in ClinVar:

NM_003265.3(TLR3):c.823A>G (p.Asn275Asp)

Gene: TLR3 (toll like receptor 3; plus strand). Cytogenetic location: 4q35.1.
Variant type: single nucleotide variant.
Coding change: c.823A>G on transcript NM_003265.3 (MANE Select); coding-DNA position 823, A replaced by G.
Protein change: p.Asn275Asp; replaces asparagine 275 with aspartic acid.
Molecular consequence: missense variant.
Genome position (GRCh38, 1-based): chr4:186,082,509, A>G. VCF-style: chr4-186082509-A-G. GRCh37 (hg19) VCF-style: chr4-187003663-A-G.
Other names: short protein forms N275D.
Identifiers: ClinVar variation 3666652 (VCV003666652.2).

ClinVar aggregate classification (germline): Uncertain significance (1 of 4 stars; one submission).

Conditions:
Encephalopathy, acute, infection-induced (herpes-specific), susceptibility to, 1. Also called: Herpes simplex encephalitis, susceptibility to, 1. Identifiers: Orphanet 1930, MedGen C2750180, MONDO:0024563, OMIM 610551.

gnomAD v4.1: 2 of 1,614,176 alleles (0.00012%); highest among the groups gnomAD compares: East Asian, 0.0022%; no homozygotes.

Submission:

Labcorp Genetics (formerly Invitae), Labcorp
Classification: Uncertain significance for Encephalopathy, acute, infection-induced (herpes-specific), susceptibility to, 1. Last evaluated: 2024-02-06. Review status: criteria provided, single submitter. Criteria: Invitae Variant Classification Sherloc (09022015). Collection method: clinical testing. Allele origin: germline.
Comment: This sequence change replaces asparagine, which is neutral and polar, with aspartic acid, which is acidic and polar, at codon 275 of the TLR3 protein (p.Asn275Asp). This variant is present in population databases (rs770716910, gnomAD 0.0009%). This variant has not been reported in the literature in individuals affected with TLR3-related conditions. An algorithm developed to predict the effect of missense changes on protein structure and function (PolyPhen-2) suggests that this variant is likely to be disruptive. In summary, the available evidence is currently insufficient to determine the role of this variant in disease. Therefore, it has been classified as a Variant of Uncertain Significance.